The following is an entry in ClinVar:

NM_000384.3(APOB):c.10922del (p.Ser3641fs)

Gene: APOB (apolipoprotein B; minus strand). Cytogenetic location: 2p24.1.
Variant type: Deletion.
Coding change: c.10922del on transcript NM_000384.3 (MANE Select); coding-DNA position 10922, one base deleted (C; older notation c.10922delC).
Protein change: p.Ser3641fs; shifts the reading frame from serine 3641.
Molecular consequence: frameshift variant.
Genome position (GRCh38, 1-based): chr2:21,005,946, G deleted on the plus strand (C on the coding strand, the reverse complement: APOB is on the minus strand). VCF-style (leftmost placement, unchanged base first): chr2-21005945-AG-A. GRCh37 (hg19) VCF-style: chr2-21228817-AG-A.
Other names: short protein forms S3641fs.
Identifiers: ClinVar variation 3767115 (VCV003767115.3).
Genomic context (GRCh38, chr2:21,005,945, plus strand): 5'-AATGTCAAGGTGTGCCTTTTCTTGGTCATTGGAAAGCTCGACCTGGCTCTGGAAAGACCC[AG>A]AATGAATCCGGACTTCATTTTTCCATCTGATCTTCTGGTTCTTAGTGTTAGCATTCAGGG-3'

ClinVar aggregate classification (germline): Likely pathogenic (1 of 4 stars; one submission).

Conditions:
Hypercholesterolemia, autosomal dominant, type B (FHCL2). Also called: APOLIPOPROTEIN B-100, FAMILIAL DEFECTIVE; APOLIPOPROTEIN B-100, FAMILIAL LIGAND-DEFECTIVE; HYPERCHOLESTEROLEMIA, FAMILIAL, DUE TO LIGAND-DEFECTIVE APOLIPOPROTEIN B; Familial Hypercholesterolemia Type B; APOB-Related Familial Hypercholesterolemia, Autosomal Dominant; Hyperlipoproteinemia Type IIb. Identifiers: MedGen C1704417, MONDO:0007751, OMIM 144010.

Submission:

Juno Genomics, Hangzhou Juno Genomics, Inc
Classification: Likely pathogenic for Hypercholesterolemia, autosomal dominant, type B. Review status: criteria provided, single submitter. Criteria: ACMG Guidelines, 2015. Collection method: clinical testing. Allele origin: germline.
Comment: Absent from controls (or at extremely low frequency if recessive) in Genome Aggregation Database.;Null variant in a gene where loss of function (LOF) is a known mechanism of disease.